The following is an entry in ClinVar:

NM_003072.5(SMARCA4):c.3836C>T (p.Ala1279Val)

Gene: SMARCA4 (SWI/SNF related BAF chromatin remodeling complex subunit ATPase 4; plus strand). Cytogenetic location: 19p13.2.
Variant type: single nucleotide variant.
Coding change: c.3836C>T on transcript NM_003072.5 (MANE Select); coding-DNA position 3836, C replaced by T.
Protein change: p.Ala1279Val; replaces alanine 1279 with valine.
Molecular consequence: missense variant. On other transcripts: intron variant (5).
Genome position (GRCh38, 1-based): chr19:11,033,828, C>T. VCF-style: chr19-11033828-C-T. GRCh37 (hg19) VCF-style: chr19-11144504-C-T.
Other names: c.3775-295C>T (NM_001128848.2, NM_001128847.4, NM_001374457.1 and 2 more transcripts); c.3836C>T, p.Ala1279Val (NM_001128844.3, NM_001128849.3, NM_001387283.1); short protein forms A1279V.
Identifiers: ClinVar variation 484838 (VCV000484838.18), dbSNP rs1232715199, ClinGen allele CA404066687.

ClinVar aggregate classification (germline): Conflicting classifications of pathogenicity. Review status: criteria provided, conflicting classifications (1 of 4 stars). 4 submissions from 4 submitters: Uncertain significance (3); Likely benign (1). Last evaluated 2025-12-14.

Conditions:
Intellectual disability, autosomal dominant 16 (CSS4). Also called: COFFIN-SIRIS SYNDROME 4. Identifiers: Orphanet 1465, MedGen C3553249, MONDO:0013821, OMIM 614609.
Rhabdoid tumor predisposition syndrome 2 (RTPS2). Identifiers: Orphanet 231108, Orphanet 69077, MedGen C2750074, MONDO:0013224, OMIM 613325.
Hereditary cancer-predisposing syndrome. Also called: Neoplastic Syndromes, Hereditary; Tumor predisposition; Hereditary Cancer Syndrome; Hereditary neoplastic syndrome. Identifiers: Orphanet 140162, MedGen C0027672, MeSH D009386, MONDO:0015356.

Allele frequency attached by ClinVar (database versions not stated): gnomAD exomes below 0.00001 and 0.00001; TOPMed 0.00001.
gnomAD v4.1: 4 of 779,698 alleles (0.00051%); highest among the groups gnomAD compares: Non-Finnish European, 0.00096%; no homozygotes.

Submissions (4):

Labcorp Genetics (formerly Invitae), Labcorp
Classification: Uncertain significance for Rhabdoid tumor predisposition syndrome 2. Last evaluated: 2025-12-14. Review status: criteria provided, single submitter. Criteria: Invitae Variant Classification Sherloc (09022015). Collection method: clinical testing. Allele origin: germline.
Comment: This sequence change replaces alanine, which is neutral and non-polar, with valine, which is neutral and non-polar, at codon 1279 of the SMARCA4 protein (p.Ala1279Val). The frequency data for this variant in the population databases is considered unreliable, as metrics indicate poor data quality at this position in the gnomAD database. This variant has not been reported in the literature in individuals affected with SMARCA4-related conditions. ClinVar contains an entry for this variant (Variation ID: 484838). An algorithm developed to predict the effect of missense changes on protein structure and function (PolyPhen-2) suggests that this variant is likely to be tolerated. In summary, the available evidence is currently insufficient to determine the role of this variant in disease. Therefore, it has been classified as a Variant of Uncertain Significance.

Quest Diagnostics Nichols Institute San Juan Capistrano
Classification: Uncertain significance. Last evaluated: 2023-10-24. Review status: criteria provided, single submitter. Criteria: Quest Diagnostics criteria. Collection method: clinical testing. Allele origin: unknown.
Comment: The SMARCA4 c.3836C>T (p.Ala1279Val) variant has not been reported in individuals with SMARCA4-related conditions in the published literature. The frequency of this variant in the general population, 0.0000041 (1/244602 chromosomes (Genome Aggregation Database)), is uninformative in the assessment of its pathogenicity. Analysis of this variant using bioinformatics tools for the prediction of the effect of amino acid changes on protein structure and function yielded predictions that this variant is benign. Based on the available information, we are unable to determine the clinical significance of this variant.

Ambry Genetics
Classification: Likely benign for Hereditary cancer-predisposing syndrome. Last evaluated: 2022-08-10. Review status: criteria provided, single submitter. Criteria: Ambry Variant Classification Scheme 2023. Collection method: clinical testing. Allele origin: germline.

Genome-Nilou Lab
Classification: Uncertain significance for Intellectual disability, autosomal dominant 16. Last evaluated: 2021-07-15. Review status: criteria provided, single submitter. Criteria: ACMG Guidelines, 2015. Collection method: clinical testing. Allele origin: germline. Affected: no.